The following is an entry in ClinVar:

ClinVar aggregate classification (germline): Uncertain significance (1 of 4 stars; one submission).

gnomAD v4.1: 1 of 1,613,798 alleles (0.000062%); no homozygotes.

Submission:

Labcorp Genetics (formerly Invitae), Labcorp
Classification: Uncertain significance. Last evaluated: 2025-12-01. Review status: criteria provided, single submitter. Criteria: Invitae Variant Classification Sherloc (09022015). Collection method: clinical testing. Allele origin: germline.
Comment: This sequence change falls in intron 4 of the SLC9A3R1 gene. It does not directly change the encoded amino acid sequence of the SLC9A3R1 protein. It affects a nucleotide within the consensus splice site. This variant is not present in population databases (gnomAD no frequency). This variant has not been reported in the literature in individuals affected with SLC9A3R1-related conditions. Variants that disrupt the consensus splice site are a relatively common cause of aberrant splicing (PMID: 17576681, 9536098). Algorithms developed to predict the effect of sequence changes on RNA splicing suggest that this variant may disrupt the consensus splice site. In summary, the available evidence is currently insufficient to determine the role of this variant in disease. Therefore, it has been classified as a Variant of Uncertain Significance.

Literature cited by the submitters: PubMed 17576681; PubMed 9536098.

NM_004252.5(NHERF1):c.798+4A>G

Gene: NHERF1 (NHERF family PDZ scaffold protein 1; plus strand). Cytogenetic location: 17q25.1.
Variant type: single nucleotide variant.
Coding change: c.798+4A>G on transcript NM_004252.5 (MANE Select); 4 bases into the intron after coding-DNA position 798, A replaced by G.
Molecular consequence: intron variant.
Genome position (GRCh38, 1-based): chr17:74,766,980, A>G. VCF-style: chr17-74766980-A-G. GRCh37 (hg19) VCF-style: chr17-72763119-A-G.
Identifiers: ClinVar variation 4770975 (VCV004770975.1).